The following is an entry in ClinVar:

ClinVar aggregate classification (germline): Uncertain significance (1 of 4 stars; one submission).

Submission:

Labcorp Genetics (formerly Invitae), Labcorp
Classification: Uncertain significance. Last evaluated: 2022-04-18. Review status: criteria provided, single submitter. Criteria: Invitae Variant Classification Sherloc (09022015). Collection method: clinical testing. Allele origin: germline.
Comment: In summary, the available evidence is currently insufficient to determine the role of this variant in disease. Therefore, it has been classified as a Variant of Uncertain Significance. Algorithms developed to predict the effect of missense changes on protein structure and function (SIFT, PolyPhen-2, Align-GVGD) all suggest that this variant is likely to be tolerated. This variant has not been reported in the literature in individuals affected with SZT2-related conditions. This variant is not present in population databases (gnomAD no frequency). This sequence change replaces arginine, which is basic and polar, with glycine, which is neutral and non-polar, at codon 2728 of the SZT2 protein (p.Arg2728Gly).

NM_001365999.1(SZT2):c.8353A>G (p.Arg2785Gly)

Gene: SZT2 (SZT2 subunit of KICSTOR complex; plus strand). Cytogenetic location: 1p34.2.
Variant type: single nucleotide variant.
Coding change: c.8353A>G on transcript NM_001365999.1 (MANE Select); coding-DNA position 8353, A replaced by G.
Protein change: p.Arg2785Gly; replaces arginine 2785 with glycine.
Molecular consequence: missense variant.
Genome position (GRCh38, 1-based): chr1:43,443,020, A>G. VCF-style: chr1-43443020-A-G. GRCh37 (hg19) VCF-style: chr1-43908691-A-G.
Other names: c.8182A>G, p.Arg2728Gly (NM_015284.4); short protein forms R2728G, R2785G.
Identifiers: ClinVar variation 2127663 (VCV002127663.4), dbSNP rs1655244363, ClinGen allele CA340038652.